The following is an entry in ClinVar:

NM_000548.5(TSC2):c.4522_4523insAA (p.Pro1508fs)

Gene: TSC2 (TSC complex subunit 2; plus strand). Cytogenetic location: 16p13.3.
Variant type: Insertion.
Coding change: c.4522_4523insAA on transcript NM_000548.5 (MANE Select); coding-DNA positions 4522 to 4523, AA inserted.
Protein change: p.Pro1508fs; shifts the reading frame from proline 1508.
Molecular consequence: frameshift variant. On other transcripts: non-coding transcript variant (5).
Genome position: GRCh38 VCF-style: chr16-2084979-C-CAA. GRCh37 (hg19) VCF-style: chr16-2134980-C-CAA.
Other names: c.4321_4322insAA, p.Pro1441fs (NM_001077183.3); c.4453_4454insAA, p.Pro1485fs (NM_001114382.3); c.4213_4214insAA, p.Pro1405fs (NM_001318827.2); c.4177_4178insAA, p.Pro1393fs (NM_001318829.2); c.3790_3791insAA, p.Pro1264fs (NM_001318831.2); c.4354_4355insAA, p.Pro1452fs (NM_001318832.2); c.4324_4325insAA, p.Pro1442fs (NM_001363528.2); c.4390_4391insAA, p.Pro1464fs (NM_001370404.1); and 26 more; short protein forms P1016fs, P1017fs, P1285fs, P1392fs, P1393fs, P1437fs, P1438fs, P1442fs.
Identifiers: ClinVar variation 3462601 (VCV003462601.1).

ClinVar aggregate classification (germline): Pathogenic (1 of 4 stars; one submission).

Conditions:
Hereditary cancer-predisposing syndrome. Also called: Tumor predisposition; Neoplastic Syndromes, Hereditary; Hereditary neoplastic syndrome; Hereditary Cancer Syndrome. Identifiers: Orphanet 140162, MedGen C0027672, MeSH D009386, MONDO:0015356.

Submission:

Ambry Genetics
Classification: Pathogenic for Hereditary cancer-predisposing syndrome. Last evaluated: 2024-08-30. Review status: criteria provided, single submitter. Criteria: Ambry Variant Classification Scheme 2023. Collection method: clinical testing. Allele origin: germline.
Comment: The c.4522_4523insAA pathogenic mutation, located in coding exon 34 of the TSC2 gene, results from an insertion of two nucleotides at position 4522, causing a translational frameshift with a predicted alternate stop codon (p.P1508Qfs*69). This variant is considered to be rare based on population cohorts in the Genome Aggregation Database (gnomAD). This alteration is expected to result in loss of function by premature protein truncation or nonsense-mediated mRNA decay. As such, this alteration is interpreted as a disease-causing mutation.